The following is an entry in ClinVar:

ClinVar aggregate classification (germline): Uncertain significance (1 of 4 stars; one submission).

Conditions:
Very long chain acyl-CoA dehydrogenase deficiency (ACADVLD). Also called: VLCAD Deficiency; Very Long-Chain Acyl-Coenzyme A Dehydrogenase Deficiency. Identifiers: Orphanet 26793, MedGen C3887523, MONDO:0008723, OMIM 201475.

Allele frequency attached by ClinVar (database versions not stated): TOPMed below 0.00001; 1000 Genomes Project 30x 0.00016.
gnomAD v4.1: 4 of 1,614,152 alleles (0.00025%); highest among the groups gnomAD compares: African/African-American, 0.0027%; no homozygotes.

Submission:

Labcorp Genetics (formerly Invitae), Labcorp
Classification: Uncertain significance for Very long chain acyl-CoA dehydrogenase deficiency. Last evaluated: 2022-04-29. Review status: criteria provided, single submitter. Criteria: Invitae Variant Classification Sherloc (09022015). Collection method: clinical testing. Allele origin: germline.
Comment: This sequence change replaces valine, which is neutral and non-polar, with phenylalanine, which is neutral and non-polar, at codon 326 of the ACADVL protein (p.Val326Phe). This variant is present in population databases (no rsID available, gnomAD 0.007%). This variant has not been reported in the literature in individuals affected with ACADVL-related conditions. Algorithms developed to predict the effect of missense changes on protein structure and function (SIFT, PolyPhen-2, Align-GVGD) all suggest that this variant is likely to be tolerated. Algorithms developed to predict the effect of sequence changes on RNA splicing suggest that this variant may create or strengthen a splice site. In summary, the available evidence is currently insufficient to determine the role of this variant in disease. Therefore, it has been classified as a Variant of Uncertain Significance.

NM_000018.4(ACADVL):c.976G>T (p.Val326Phe)

Gene: ACADVL (acyl-CoA dehydrogenase very long chain; plus strand). Cytogenetic location: 17p13.1.
Variant type: single nucleotide variant.
Coding change: c.976G>T on transcript NM_000018.4 (MANE Select); coding-DNA position 976, G replaced by T.
Protein change: p.Val326Phe; replaces valine 326 with phenylalanine.
Molecular consequence: missense variant.
Genome position (GRCh38, 1-based): chr17:7,222,764, G>T. VCF-style: chr17-7222764-G-T. GRCh37 (hg19) VCF-style: chr17-7126083-G-T.
Other names: c.910G>T, p.Val304Phe (NM_001033859.3); c.1045G>T, p.Val349Phe (NM_001270447.2); c.748G>T, p.Val250Phe (NM_001270448.2); short protein forms V250F, V304F, V326F, V349F.
Identifiers: ClinVar variation 2131890 (VCV002131890.1), dbSNP rs771210493, ClinGen allele CA397724084.